The following is an entry in ClinVar:

ClinVar aggregate classification (germline): Uncertain significance (1 of 4 stars; one submission).

Conditions:
Hypertrophic cardiomyopathy 26. Also called: Cardiomyopathy, familial hypertrophic, 26. Identifiers: Orphanet 75249, MedGen C4310749, MONDO:0014883, OMIM 617047.
Myofibrillar myopathy 5. Also called: Filaminopathy (type); FILAMINOPATHY, AUTOSOMAL DOMINANT. Identifiers: Orphanet 171445, MedGen C1836050, MONDO:0012289, OMIM 609524.
Distal myopathy with posterior leg and anterior hand involvement. Also called: WILLIAMS DISTAL MYOPATHY. Identifiers: Orphanet 63273, MedGen C3279722, MONDO:0013550, OMIM 614065.

gnomAD v4.1: 4 of 1,614,130 alleles (0.00025%); highest among the groups gnomAD compares: Non-Finnish European, 0.00034%; no homozygotes.

Submission:

Labcorp Genetics (formerly Invitae), Labcorp
Classification: Uncertain significance for Distal myopathy with posterior leg and anterior hand involvement; Myofibrillar myopathy 5; Hypertrophic cardiomyopathy 26. Last evaluated: 2025-04-23. Review status: criteria provided, single submitter. Criteria: Invitae Variant Classification Sherloc (09022015). Collection method: clinical testing. Allele origin: germline.
Comment: This sequence change replaces lysine, which is basic and polar, with glutamic acid, which is acidic and polar, at codon 1885 of the FLNC protein (p.Lys1885Glu). This variant is not present in population databases (gnomAD no frequency). This variant has not been reported in the literature in individuals affected with FLNC-related conditions. Invitae Evidence Modeling of protein sequence and biophysical properties (such as structural, functional, and spatial information, amino acid conservation, physicochemical variation, residue mobility, and thermodynamic stability) has been performed for this missense variant. However, the output from this modeling did not meet the statistical confidence thresholds required to predict the impact of this variant on FLNC protein function. In summary, the available evidence is currently insufficient to determine the role of this variant in disease. Therefore, it has been classified as a Variant of Uncertain Significance.

NM_001458.5(FLNC):c.5653A>G (p.Lys1885Glu)

Genes: FLNC-AS1 (FLNC antisense RNA 1; minus strand), FLNC (filamin C; plus strand). Cytogenetic location: 7q32.1.
Variant type: single nucleotide variant.
Coding change: c.5653A>G on transcript NM_001458.5 (MANE Select); coding-DNA position 5653, A replaced by G.
Protein change: p.Lys1885Glu; replaces lysine 1885 with glutamic acid.
Molecular consequence: missense variant.
Genome position (GRCh38, 1-based): chr7:128,851,345, A>G. VCF-style: chr7-128851345-A-G. GRCh37 (hg19) VCF-style: chr7-128491399-A-G.
Other names: c.5554A>G, p.Lys1852Glu (NM_001127487.2); short protein forms K1852E, K1885E.
Identifiers: ClinVar variation 4812622 (VCV004812622.1).